The following is an entry in ClinVar:

NM_000355.4(TCN2):c.872A>T (p.Gln291Leu)

Gene: TCN2 (transcobalamin 2; plus strand). Cytogenetic location: 22q12.2.
Variant type: single nucleotide variant.
Coding change: c.872A>T on transcript NM_000355.4 (MANE Select); coding-DNA position 872, A replaced by T.
Protein change: p.Gln291Leu; replaces glutamine 291 with leucine.
Molecular consequence: missense variant.
Genome position (GRCh38, 1-based): chr22:30,615,719, A>T. VCF-style: chr22-30615719-A-T. GRCh37 (hg19) VCF-style: chr22-31011706-A-T.
Other names: c.791A>T, p.Gln264Leu (NM_001184726.2); short protein forms Q291L, Q264L.
Identifiers: ClinVar variation 1415811 (VCV001415811.5), dbSNP rs2087603700, ClinGen allele CA411213519.

ClinVar aggregate classification (germline): Uncertain significance (1 of 4 stars; one submission).

Conditions:
Transcobalamin II deficiency (TCN2D). Also called: TC II DEFICIENCY; TCN2 DEFICIENCY; Transcolabamin II deficiency. Identifiers: Orphanet 859, MedGen C0342701, MONDO:0010149, OMIM 275350.

Allele frequency attached by ClinVar (database versions not stated): gnomAD exomes below 0.00001.

Submission:

Labcorp Genetics (formerly Invitae), Labcorp
Classification: Uncertain significance for Transcobalamin II deficiency. Last evaluated: 2022-02-09. Review status: criteria provided, single submitter. Criteria: Invitae Variant Classification Sherloc (09022015). Collection method: clinical testing. Allele origin: germline.
Comment: Algorithms developed to predict the effect of missense changes on protein structure and function are either unavailable or do not agree on the potential impact of this missense change (SIFT: "Deleterious"; PolyPhen-2: "Probably Damaging"; Align-GVGD: "Class C0"). This variant has not been reported in the literature in individuals affected with TCN2-related conditions. This variant is not present in population databases (gnomAD no frequency). This sequence change replaces glutamine, which is neutral and polar, with leucine, which is neutral and non-polar, at codon 291 of the TCN2 protein (p.Gln291Leu). In summary, the available evidence is currently insufficient to determine the role of this variant in disease. Therefore, it has been classified as a Variant of Uncertain Significance.